The following is an entry in ClinVar:

ClinVar aggregate classification (germline): Uncertain significance (1 of 4 stars; one submission).

Allele frequency attached by ClinVar (database versions not stated): gnomAD exomes 0.00002; ExAC 0.00006.
gnomAD v4.1: 28 of 1,613,392 alleles (0.0017%); highest among the groups gnomAD compares: South Asian, 0.031%; 1 homozygote.

Submission:

Labcorp Genetics (formerly Invitae), Labcorp
Classification: Uncertain significance. Last evaluated: 2024-04-13. Review status: criteria provided, single submitter. Criteria: Invitae Variant Classification Sherloc (09022015). Collection method: clinical testing. Allele origin: germline.
Comment: This sequence change falls in intron 17 of the TCF3 gene. It does not directly change the encoded amino acid sequence of the TCF3 protein. It affects a nucleotide within the consensus splice site. This variant is present in population databases (rs762670526, gnomAD 0.04%), including at least one homozygous and/or hemizygous individual. This variant has not been reported in the literature in individuals affected with TCF3-related conditions. Variants that disrupt the consensus splice site are a relatively common cause of aberrant splicing (PMID: 17576681, 9536098). Algorithms developed to predict the effect of sequence changes on RNA splicing suggest that this variant is not likely to affect RNA splicing. In summary, the available evidence is currently insufficient to determine the role of this variant in disease. Therefore, it has been classified as a Variant of Uncertain Significance.

Literature cited by the submitters: PubMed 17576681; PubMed 9536098.

NM_003200.5(TCF3):c.1586+5C>T

Gene: TCF3 (transcription factor 3; minus strand). Cytogenetic location: 19p13.3.
Variant type: single nucleotide variant.
Coding change: c.1586+5C>T on transcript NM_003200.5 (MANE Select); 5 bases into the intron after coding-DNA position 1586, C replaced by T.
Molecular consequence: intron variant.
Genome position (GRCh38, 1-based): chr19:1,615,681, G>A on the plus strand (C>T on the coding strand, the complement: TCF3 is on the minus strand). VCF-style: chr19-1615681-G-A. GRCh37 (hg19) VCF-style: chr19-1615680-G-A.
Other names: c.1583+5C>T (NM_001351778.2); c.1586+5C>T (NM_001136139.4, NM_001351779.2).
Identifiers: ClinVar variation 2893727 (VCV002893727.3), dbSNP rs762670526, ClinGen allele CA9049753.
Genomic context (GRCh38, chr19:1,615,681, plus strand): 5'-GTGGCCTGTGCACATGTGCGTCCTGATGGGGTGAGGGTGGGGAGTGCCGAGGGGTGGGTT[G>A]GCACCTGGTCCGGGCCCGGGGGGCCTTCAGCTCCTTCTTCTCCTCCTCCGAGTGGTCAGC-3'